The following is an entry in ClinVar:

NM_003359.4(UGDH):c.311C>T (p.Ala104Val)

Gene: UGDH (UDP-glucose 6-dehydrogenase; minus strand). Cytogenetic location: 4p14.
Variant type: single nucleotide variant.
Coding change: c.311C>T on transcript NM_003359.4 (MANE Select); coding-DNA position 311, C replaced by T.
Protein change: p.Ala104Val; replaces alanine 104 with valine.
Molecular consequence: missense variant. On other transcripts: intron variant (1).
Genome position (GRCh38, 1-based): chr4:39,510,815, G>A on the plus strand (C>T on the coding strand, the complement: UGDH is on the minus strand). VCF-style: chr4-39510815-G-A. GRCh37 (hg19) VCF-style: chr4-39512435-G-A.
Other names: c.20C>T, p.Ala7Val (NM_001184701.2); c.265-265C>T (NM_001184700.2); short protein forms A104V, A7V.
Identifiers: ClinVar variation 1699071 (VCV001699071.3), dbSNP rs1420419492, ClinGen allele CA356661202.

ClinVar aggregate classification (germline): Uncertain significance (1 of 4 stars; one submission).

Conditions:
Developmental and epileptic encephalopathy, 84. Also called: EPILEPTIC ENCEPHALOPATHY, EARLY IFANTILE, 84. Identifiers: MedGen C5394081, MONDO:0032918, OMIM 618792.

Allele frequency attached by ClinVar (database versions not stated): gnomAD exomes 0.00002.
gnomAD v4.1: 23 of 1,614,190 alleles (0.0014%); highest among the groups gnomAD compares: Non-Finnish European, 0.0019%; no homozygotes.

Submission:

Victorian Clinical Genetics Services, Murdoch Childrens Research Institute
Classification: Uncertain significance for Developmental and epileptic encephalopathy, 84. Last evaluated: 2022-09-02. Review status: criteria provided, single submitter. Criteria: ACMG Guidelines, 2015. Collection method: clinical testing. Allele origin: germline. Inheritance: Autosomal recessive inheritance. Affected: yes.
Comment: Based on the classification scheme VCGS_Germline_v1.3.4, this variant is classified as VUS-3B. Following criteria are met: 0102 - Loss of function is a known mechanism of disease in this gene and is associated with developmental and epileptic encephalopathy 84 (MIM#618792). (I) 0106 - This gene is associated with autosomal recessive disease. (I) 0200 - Variant is predicted to result in a missense amino acid change from alanine to valine. (I) 0251 - This variant is heterozygous. (I) 0304 - Variant is present in gnomAD (v2) <0.01 for a recessive condition (1 heterozygote, 0 homozygotes). (SP) 0502 - Missense variant with conflicting in silico predictions and uninformative conservation. (I) 0600 - Variant is located in the annotated NAD binding domain (PDB). (I) 0705 - No comparable missense variants have previous evidence for pathogenicity. (I) 0807 - This variant has no previous evidence of pathogenicity. (I) 0905 - No published segregation evidence has been identified for this variant. (I) 1007 - No published functional evidence has been identified for this variant. (I) 1208 - Inheritance information for this variant is not currently available in this individual. (I) Legend: (SP) - Supporting pathogenic, (I) - Information, (SB) - Supporting benign